The following is an entry in ClinVar:

ClinVar aggregate classification (germline): Uncertain significance (1 of 4 stars; one submission).

Submission:

GeneDx
Classification: Uncertain significance. Last evaluated: 2025-04-07. Review status: criteria provided, single submitter. Criteria: GeneDx Variant Classification Process June 2021. Collection method: clinical testing. Allele origin: germline. Affected: yes.
Comment: Not observed at significant frequency in large population cohorts (gnomAD); In silico analysis supports that this missense variant has a deleterious effect on protein structure/function; Has not been previously published as pathogenic or benign to our knowledge

NM_001278064.2(GRM1):c.2441C>T (p.Thr814Ile)

Gene: GRM1 (glutamate metabotropic receptor 1; plus strand). Cytogenetic location: 6q24.3.
Variant type: single nucleotide variant.
Coding change: c.2441C>T on transcript NM_001278064.2 (MANE Select); coding-DNA position 2441, C replaced by T.
Protein change: p.Thr814Ile; replaces threonine 814 with isoleucine.
Molecular consequence: missense variant.
Genome position (GRCh38, 1-based): chr6:146,399,480, C>T. VCF-style: chr6-146399480-C-T. GRCh37 (hg19) VCF-style: chr6-146720616-C-T.
Other names: c.2441C>T, p.Thr814Ile (NM_001278065.2, NM_001278066.1, NM_001278067.1); short protein forms T814I.
Identifiers: ClinVar variation 4281938 (VCV004281938.1).